The following is an entry in ClinVar:

NM_016492.5(RANGRF):c.78-20T>C

Genes: RANGRF (RAN guanine nucleotide release factor; plus strand), SLC25A35 (solute carrier family 25 member 35; minus strand), LOC130060241 (ATAC-STARR-seq lymphoblastoid active region 11693; plus strand). Cytogenetic location: 17p13.1.
Variant type: single nucleotide variant.
Coding change: c.78-20T>C on transcript NM_016492.5 (MANE Select); 20 bases into the intron before coding-DNA position 78, T replaced by C.
Molecular consequence: intron variant. On other transcripts: 3 prime UTR variant (2), non-coding transcript variant (2).
Genome position (GRCh38, 1-based): chr17:8,288,936, T>C. VCF-style: chr17-8288936-T-C. GRCh37 (hg19) VCF-style: chr17-8192254-T-C.
Other names: c.*547A>G (NM_001320872.2); c.*680A>G (NM_201520.3); c.*43-504A>G (NM_001320871.2); c.78-20T>C (NM_001177802.2, NM_001177801.2, NM_001330127.2).
Identifiers: ClinVar variation 511840 (VCV000511840.6), dbSNP rs750059989, ClinGen allele CA8374309.
Genomic context (GRCh38, chr17:8,288,936, plus strand): 5'-CGGGGCGCCCAGGGGCGGCTGACTGGGTGGGTTGTGGGAAGAGACCGGGGTCAACCAGGG[T>C]CTGCCTCGCCTCACTCCAGCGACCTCCGACCGGTCCCGGACAATCAAGAAGTTTTCTGCC-3'

ClinVar aggregate classification (germline): Likely benign. Review status: criteria provided, multiple submitters, no conflicts (2 of 4 stars). 2 submissions from 2 submitters: Likely benign (2). Last evaluated 2025-01-11.

Conditions:
Cardiac arrhythmia. Also called: Cardiac rhythm disease; Arrhythmia. Identifiers: MedGen C0003811, MONDO:0007263, HP:0011675.

Allele frequency attached by ClinVar (database versions not stated): gnomAD exomes 0.00004 and 0.00002; TOPMed 0.00004; gnomAD 0.00003; ExAC 0.00003.
gnomAD v4.1: 60 of 1,613,828 alleles (0.0037%); highest among the groups gnomAD compares: Middle Eastern, 0.016%; no homozygotes.

Submissions (2):

Labcorp Genetics (formerly Invitae), Labcorp
Classification: Likely benign for Cardiac arrhythmia. Last evaluated: 2025-01-11. Review status: criteria provided, single submitter. Criteria: Invitae Variant Classification Sherloc (09022015). Collection method: clinical testing. Allele origin: germline.

GeneDx
Classification: Likely benign. Last evaluated: 2017-09-06. Review status: criteria provided, single submitter. Criteria: GeneDx Variant Classification (06012015). Collection method: clinical testing. Allele origin: germline. Affected: yes.
Comment: This variant is considered likely benign or benign based on one or more of the following criteria: it is a conservative change, it occurs at a poorly conserved position in the protein, it is predicted to be benign by multiple in silico algorithms, and/or has population frequency not consistent with disease.